The following is an entry in ClinVar:

NM_000053.4(ATP7B):c.3836dup (p.Asp1279fs)

Gene: ATP7B (ATPase copper transporting beta; minus strand). Cytogenetic location: 13q14.3.
Variant type: Duplication.
Coding change: c.3836dup on transcript NM_000053.4 (MANE Select); coding-DNA position 3836, one base duplicated (A; older notation c.3836dupA).
Protein change: p.Asp1279fs; shifts the reading frame from aspartic acid 1279.
Molecular consequence: frameshift variant. On other transcripts: intron variant (1).
Genome position (GRCh38, 1-based): chr13:51,937,543, T duplicated on the plus strand (A on the coding strand, the reverse complement: ATP7B is on the minus strand). VCF-style (leftmost placement, unchanged base first): chr13-51937542-G-GT. GRCh37 (hg19) VCF-style: chr13-52511678-G-GT.
Other names: c.3836dupA (NM_000053.3); c.3215dup, p.Asp1072fs (NM_001005918.3); c.3503dup, p.Asp1168fs (NM_001243182.2); c.3602dup, p.Asp1201fs (NM_001330578.2, NM_001406527.1, NM_001406528.1); c.3584dup, p.Asp1195fs (NM_001330579.2, NM_001406531.1, NM_001406532.1); c.3836dup, p.Asp1279fs (NM_001406511.1, NM_001406512.1); c.3830dup, p.Asp1277fs (NM_001406513.1); c.3803dup, p.Asp1268fs (NM_001406514.1); and 22 more; short protein forms D1052fs, D1063fs, D1072fs, D1085fs, D1115fs, D1117fs, D1130fs, D1136fs.
Identifiers: ClinVar variation 2503987 (VCV002503987.1), dbSNP rs2547567835, ClinGen allele CA2580614734.
Genomic context (GRCh38, chr13:51,937,542, plus strand): 5'-AAGGACGACGTCGGCTGCCTCGATGGCCACATCCGTGCCGGTGCCAATGGCCACACCCAT[G>GT]TCTGCCTGGGCCAAGGCCGGGGAGTCATTGACCCCATCCCCCACCATGGCGACTTTCTTC-3'

ClinVar aggregate classification (germline): Likely pathogenic (1 of 4 stars; one submission).

Conditions:
Wilson disease (WND). Also called: Wilson's disease. Identifiers: Orphanet 905, MedGen C0019202, MONDO:0010200, OMIM 277900. Disease mechanism: loss of function.

Submission:

Women's Health and Genetics/Laboratory Corporation of America, LabCorp
Classification: Likely pathogenic for Wilson disease. Last evaluated: 2023-04-12. Review status: criteria provided, single submitter. Criteria: LabCorp Variant Classification Summary - May 2015. Collection method: clinical testing. Allele origin: germline.
Comment: Variant summary: ATP7B c.3836dupA (p.Asp1279GlufsX25) results in a premature termination codon, predicted to cause a truncation of the encoded protein or absence of the protein due to nonsense mediated decay, which are commonly known mechanisms for disease. Truncations downstream of this position have been classified as pathogenic by our laboratory. The variant was absent in 249674 control chromosomes (gnomAD and publication data). c.3836dupA has been reported in the literature in at least one individual affected with Wilson Disease (Mukherjee_2013). These data indicate that the variant may be associated with disease. To our knowledge, no experimental evidence demonstrating an impact on protein function has been reported. No clinical diagnostic laboratories have submitted clinical-significance assessments for this variant to ClinVar after 2014. Based on the evidence outlined above, the variant was classified as likely pathogenic.

Literature cited by the submitters: PubMed 24094725.